The following is an entry in ClinVar:

ClinVar aggregate classification (germline): Uncertain significance. Review status: criteria provided, multiple submitters, no conflicts (2 of 4 stars). 3 submissions from 3 submitters: Uncertain significance (3). Last evaluated 2025-08-24.

Conditions:
Malignant hyperthermia, susceptibility to, 1 (MHS1). Also called: Malignant hyperthermia suceptibility 1; Anesthesia related hyperthermia; Malignant hyperpyrexia; Fulminating hyperpyrexia; Pharmacogenic myopathy; RYR1-Related Malignant Hyperthermia Susceptibility. Identifiers: Orphanet 423, MedGen C2930980, MONDO:0007783, OMIM 145600.
RYR1-related disorder. Also called: RYR1-related disorders; RYR1-related condition. Identifiers: MedGen CN239331.

gnomAD v4.1: 3 of 1,614,074 alleles (0.00019%); highest among the groups gnomAD compares: South Asian, 0.0011%; no homozygotes.

Submissions (3):

Color Diagnostics, LLC DBA Color Health
Classification: Uncertain significance for Malignant hyperthermia, susceptibility to, 1. Last evaluated: 2025-08-24. Review status: criteria provided, single submitter. Criteria: ACMG Guidelines, 2015. Collection method: clinical testing. Allele origin: germline.
Comment: This missense variant replaces tyrosine with cysteine at codon 2714 of the RYR1 protein. Computational prediction is inconclusive regarding the impact of this variant on protein structure and function. To our knowledge, functional studies have not been reported for this variant. This variant has not been reported in individuals affected with RYR1-related disorders in the literature. This variant has been identified in 1/251466 chromosomes in the general population by the Genome Aggregation Database (gnomAD). The available evidence is insufficient to determine the role of this variant in disease conclusively. Therefore, this variant is classified as a Variant of Uncertain Significance.

GeneDx
Classification: Uncertain significance. Last evaluated: 2025-08-01. Review status: criteria provided, single submitter. Criteria: GeneDx Variant Classification Process June 2021. Collection method: clinical testing. Allele origin: germline. Affected: yes.
Comment: Previously reported in an individual with elevated CK levels and myalgia; however additional clinical information and family history information was not provided (PMID: 37510298); In silico analysis supports that this missense variant has a deleterious effect on protein structure/function; Not observed at significant frequency in large population cohorts (gnomAD); This variant is associated with the following publications: (PMID: 37510298, 12668474)

Labcorp Genetics (formerly Invitae), Labcorp
Classification: Uncertain significance for RYR1-related disorder. Last evaluated: 2025-07-21. Review status: criteria provided, single submitter. Criteria: Invitae Variant Classification Sherloc (09022015). Collection method: clinical testing. Allele origin: germline.
Comment: This sequence change replaces tyrosine, which is neutral and polar, with cysteine, which is neutral and slightly polar, at codon 2714 of the RYR1 protein (p.Tyr2714Cys). The frequency data for this variant in the population databases is considered unreliable, as metrics indicate poor data quality at this position in the gnomAD database. This missense change has been observed in individual(s) with clinical features of RYR1-related conditions (PMID: 37510298). Invitae Evidence Modeling of protein sequence and biophysical properties (such as structural, functional, and spatial information, amino acid conservation, physicochemical variation, residue mobility, and thermodynamic stability) indicates that this missense variant is not expected to disrupt RYR1 protein function with a negative predictive value of 80%. In summary, the available evidence is currently insufficient to determine the role of this variant in disease. Therefore, it has been classified as a Variant of Uncertain Significance.

Literature cited by the submitters: PubMed 37510298 (cited by Labcorp Genetics (formerly Invitae), Labcorp).

NM_000540.3(RYR1):c.8141A>G (p.Tyr2714Cys)

Gene: RYR1 (ryanodine receptor 1; plus strand). Cytogenetic location: 19q13.2.
Variant type: single nucleotide variant.
Coding change: c.8141A>G on transcript NM_000540.3 (MANE Select); coding-DNA position 8141, A replaced by G.
Protein change: p.Tyr2714Cys; replaces tyrosine 2714 with cysteine.
Molecular consequence: missense variant.
Genome position (GRCh38, 1-based): chr19:38,504,821, A>G. VCF-style: chr19-38504821-A-G. GRCh37 (hg19) VCF-style: chr19-38995461-A-G.
Other names: c.8141A>G, p.Tyr2714Cys (NM_001042723.2); short protein forms Y2714C.
Identifiers: ClinVar variation 4689841 (VCV004689841.2).